The following is an entry in ClinVar:

ClinVar aggregate classification (germline): Uncertain significance (1 of 4 stars; one submission).

Submission:

GeneDx
Classification: Uncertain significance. Last evaluated: 2023-05-13. Review status: criteria provided, single submitter. Criteria: GeneDx Variant Classification Process June 2021. Collection method: clinical testing. Allele origin: germline. Affected: yes.
Comment: Not observed at significant frequency in large population cohorts (gnomAD); In silico analysis supports that this missense variant does not alter protein structure/function; Has not been previously published as pathogenic or benign to our knowledge

NM_015001.3(SPEN):c.8588C>T (p.Ala2863Val)

Gene: SPEN (spen family transcriptional repressor; plus strand). Cytogenetic location: 1p36.13.
Variant type: single nucleotide variant.
Coding change: c.8588C>T on transcript NM_015001.3 (MANE Select); coding-DNA position 8588, C replaced by T.
Protein change: p.Ala2863Val; replaces alanine 2863 with valine.
Molecular consequence: missense variant.
Genome position (GRCh38, 1-based): chr1:15,934,828, C>T. VCF-style: chr1-15934828-C-T. GRCh37 (hg19) VCF-style: chr1-16261323-C-T.
Other names: short protein forms A2863V.
Identifiers: ClinVar variation 3343428 (VCV003343428.1).